The following is an entry in ClinVar:

ClinVar aggregate classification (germline): Benign. Review status: criteria provided, multiple submitters, no conflicts (2 of 4 stars). 2 submissions from 2 submitters: Benign (2). Last evaluated 2018-06-14.

Allele frequency attached by ClinVar (database versions not stated): gnomAD 0.20119 and 0.20830; TOPMed 0.20747; 1000 Genomes Project 30x 0.24313; 1000 Genomes Project 0.24481.
gnomAD v4.1: 31,722 of 152,166 alleles (21%); highest among the groups gnomAD compares: East Asian, 36%; 3,836 homozygotes.

Submissions (2):

GeneDx
Classification: Benign. Last evaluated: 2018-06-14. Review status: criteria provided, single submitter. Criteria: GeneDx Variant Classification (06012015). Collection method: clinical testing. Allele origin: germline. Affected: yes.
Comment: This variant is considered likely benign or benign based on one or more of the following criteria: it is a conservative change, it occurs at a poorly conserved position in the protein, it is predicted to be benign by multiple in silico algorithms, and/or has population frequency not consistent with disease.

Breakthrough Genomics
Classification: Benign. Review status: criteria provided, single submitter. Criteria: ACMG Guidelines, 2015. Collection method: not provided. Allele origin: germline. Inheritance: Autosomal recessive inheritance. Affected: yes.

NM_015404.4(WHRN):c.1417-224A>G

Gene: WHRN (whirlin; minus strand). Cytogenetic location: 9q32.
Variant type: single nucleotide variant.
Coding change: c.1417-224A>G on transcript NM_015404.4 (MANE Select); 224 bases into the intron before coding-DNA position 1417, A replaced by G.
Molecular consequence: intron variant.
Genome position (GRCh38, 1-based): chr9:114,423,747, T>C on the plus strand (A>G on the coding strand, the complement: WHRN is on the minus strand). VCF-style: chr9-114423747-T-C. GRCh37 (hg19) VCF-style: chr9-117186027-T-C.
Other names: c.1417-224A>G (NM_001173425.2); c.268-224A>G (NM_001083885.3); c.364-224A>G (NM_001346890.1).
Identifiers: ClinVar variation 678809 (VCV000678809.2), dbSNP rs2274161, ClinGen allele CA13108275.